The following is an entry in ClinVar:

NM_153717.3(EVC):c.1854_1855delinsTA (p.Val619Ile)

Gene: EVC (EvC ciliary complex subunit 1; plus strand). Cytogenetic location: 4p16.2.
Variant type: Indel.
Coding change: c.1854_1855delinsTA on transcript NM_153717.3 (MANE Select); coding-DNA positions 1854 to 1855, CG replaced by TA.
Protein change: p.Val619Ile; replaces valine 619 with isoleucine.
Molecular consequence: missense variant.
Genome position (GRCh38, 1-based): chr4:5,793,685-5,793,686, CG replaced by TA. VCF-style: chr4-5793685-CG-TA. GRCh37 (hg19) VCF-style: chr4-5795412-CG-TA.
Other names: c.1854_1855delinsTA, p.Val619Ile (NM_001306090.2); short protein forms V619I.
Identifiers: ClinVar variation 2050692 (VCV002050692.2), dbSNP rs2474307427, ClinGen allele CA2580070986.

ClinVar aggregate classification (germline): Uncertain significance (1 of 4 stars; one submission).

Conditions:
Ellis-van Creveld syndrome (EVC). Also called: Chondroectodermal dysplasia; MESOECTODERMAL DYSPLASIA; EVC-Related Ellis-van Creveld Syndrome; EVC2-Related Ellis-van Creveld Syndrome. Identifiers: Orphanet 289, MedGen C0013903, MONDO:0009162, OMIM 225500.
Curry-Hall syndrome (WAD). Also called: WEYERS ACRODENTAL DYSOSTOSIS. Identifiers: Orphanet 952, MedGen C0457013, MONDO:0008673, OMIM 193530.

Submission:

Labcorp Genetics (formerly Invitae), Labcorp
Classification: Uncertain significance for Curry-Hall syndrome; Ellis-van Creveld syndrome. Last evaluated: 2024-02-24. Review status: criteria provided, single submitter. Criteria: Invitae Variant Classification Sherloc (09022015). Collection method: clinical testing. Allele origin: germline.
Comment: This sequence change replaces valine, which is neutral and non-polar, with isoleucine, which is neutral and non-polar, at codon 619 of the EVC protein (p.Val619Ile). Information on the frequency of this variant in the gnomAD database is not available, as this variant may be reported differently in the database. This variant has not been reported in the literature in individuals affected with EVC-related conditions. ClinVar contains an entry for this variant (Variation ID: 2050692). Experimental studies and prediction algorithms are not available or were not evaluated, and the functional significance of this variant is currently unknown. In summary, the available evidence is currently insufficient to determine the role of this variant in disease. Therefore, it has been classified as a Variant of Uncertain Significance.